The following is an entry in ClinVar:

NM_001458.5(FLNC):c.2501C>T (p.Thr834Met)

Gene: FLNC (filamin C; plus strand). Cytogenetic location: 7q32.1.
Variant type: single nucleotide variant.
Coding change: c.2501C>T on transcript NM_001458.5 (MANE Select); coding-DNA position 2501, C replaced by T.
Protein change: p.Thr834Met; replaces threonine 834 with methionine.
Molecular consequence: missense variant.
Genome position (GRCh38, 1-based): chr7:128,842,905, C>T. VCF-style: chr7-128842905-C-T. GRCh37 (hg19) VCF-style: chr7-128482959-C-T.
Other names: p.Thr834Met; c.2501C>T, p.Thr834Met (NM_001127487.2); short protein forms T834M.
Identifiers: ClinVar variation 129083 (VCV000129083.34), dbSNP rs75133741, ClinGen allele CA152841.
Genomic context (GRCh38, chr7:128,842,905, plus strand): 5'-AGGCTGACATTGACTTCGACATCATCAAGAATGACAACGACACCTTCACCGTCAAGTACA[C>T]GCCACCAGGGGCGGGCCGCTACACCATCATGGTGCTGTTTGCCAACCAGGTACCTAAGCT-3'
Protein context (NP_001449.3, residues 824-844): NDNDTFTVKY[Thr834Met]PPGAGRYTIM

ClinVar aggregate classification (germline): Benign/Likely benign. Review status: criteria provided, multiple submitters, no conflicts (2 of 4 stars). 16 submissions from 16 submitters: Benign (8); Likely benign (3). 5 of the submissions do not count toward it. Last evaluated 2026-02-03.

Conditions:
Myofibrillar myopathy 5. Also called: Filaminopathy (type); FILAMINOPATHY, AUTOSOMAL DOMINANT. Identifiers: Orphanet 171445, MedGen C1836050, MONDO:0012289, OMIM 609524.
Distal myopathy with posterior leg and anterior hand involvement. Also called: WILLIAMS DISTAL MYOPATHY. Identifiers: Orphanet 63273, MedGen C3279722, MONDO:0013550, OMIM 614065.
Hypertrophic cardiomyopathy 26. Also called: Cardiomyopathy, familial hypertrophic, 26. Identifiers: Orphanet 75249, MedGen C4310749, MONDO:0014883, OMIM 617047.
Cardiovascular phenotype. Identifiers: MedGen CN230736.
Cardiomyopathy (CMYO). Also called: Cardiomyopathies. Identifiers: Orphanet 167848, MedGen C0878544, MONDO:0004994, HP:0001638. Inheritance: Various modes of inheritance.

Allele frequency attached by ClinVar (database versions not stated): ESP Exome Variant Server 0.00118; gnomAD 0.00136 and 0.00344; TOPMed 0.00172; gnomAD exomes 0.00499 and 0.00814; ExAC 0.00901; 1000 Genomes Project 30x 0.02171; 1000 Genomes Project 0.02396.

Submissions (16):

Labcorp Genetics (formerly Invitae), Labcorp
Classification: Benign for Distal myopathy with posterior leg and anterior hand involvement; Myofibrillar myopathy 5; Hypertrophic cardiomyopathy 26. Last evaluated: 2026-02-03. Review status: criteria provided, single submitter. Criteria: Invitae Variant Classification Sherloc (09022015). Collection method: clinical testing. Allele origin: germline.

ARUP Laboratories, Molecular Genetics and Genomics, ARUP Laboratories
Classification: Benign. Last evaluated: 2025-06-05. Review status: criteria provided, single submitter. Criteria: ARUP Molecular Germline Variant Investigation Process 2024. Collection method: clinical testing. Allele origin: germline.

Molecular Diagnostic Laboratory for Inherited Cardiovascular Disease, Montreal Heart Institute
Classification: Likely benign. Last evaluated: 2025-04-09. Review status: criteria provided, single submitter. Criteria: ACMG Guidelines, 2015. Collection method: clinical testing. Allele origin: germline. Affected: no.

Blueprint Genetics
Classification: Likely benign. Last evaluated: 2024-11-26. Review status: criteria provided, single submitter. Criteria: ACMG Guidelines, 2015. Collection method: clinical testing. Allele origin: germline.

Mayo Clinic Laboratories, Mayo Clinic
Classification: Benign. Last evaluated: 2023-08-25. Review status: criteria provided, single submitter. Criteria: ACMG Guidelines, 2015. Collection method: clinical testing. Allele origin: germline. Observed: 12 variant alleles.
Comment: BA1

CHEO Genetics Diagnostic Laboratory, Children's Hospital of Eastern Ontario
Classification: Benign for Cardiomyopathy. Last evaluated: 2023-05-16. Review status: criteria provided, single submitter. Criteria: ACMG Guidelines, 2015. Collection method: clinical testing. Allele origin: germline.

Women's Health and Genetics/Laboratory Corporation of America, LabCorp
Classification: Likely benign. Last evaluated: 2023-04-10. Review status: criteria provided, single submitter. Criteria: LabCorp Variant Classification Summary - May 2015. Collection method: clinical testing. Allele origin: germline.

Ambry Genetics
Classification: Benign for Cardiovascular phenotype. Last evaluated: 2019-03-20. Review status: criteria provided, single submitter. Criteria: Ambry Variant Classification Scheme 2023. Collection method: clinical testing. Allele origin: germline.

GeneDx
Classification: Benign. Last evaluated: 2016-04-26. Review status: criteria provided, single submitter. Criteria: GeneDx Variant Classification (06012015). Collection method: clinical testing. Allele origin: germline. Affected: yes.
Comment: This variant is considered likely benign or benign based on one or more of the following criteria: it is a conservative change, it occurs at a poorly conserved position in the protein, it is predicted to be benign by multiple in silico algorithms, and/or has population frequency not consistent with disease.

Eurofins Ntd Llc (ga)
Classification: Benign. Last evaluated: 2014-06-27. Review status: criteria provided, single submitter. Criteria: EGL Classification Definitions 2015. Collection method: clinical testing. Allele origin: germline. Observed: 1 variant allele, 1 heterozygote.

PreventionGenetics, part of Exact Sciences
Classification: Benign. Review status: criteria provided, single submitter. Criteria: ACMG Guidelines, 2015. Collection method: clinical testing. Allele origin: germline.

Clinical Genetics, Academic Medical Center
Classification: Benign. Review status: no assertion criteria provided. Collection method: clinical testing. Allele origin: germline. Affected: yes. Study: VKGL Data-share Consensus. Not counted in ClinVar's aggregate classification.

Genetic Services Laboratory, University of Chicago
Classification: Likely benign for AllHighlyPenetrant. Review status: no assertion criteria provided. Collection method: clinical testing. Allele origin: germline. Inheritance: Autosomal dominant inheritance. Not counted in ClinVar's aggregate classification.
Comment: Likely benign based on allele frequency in 1000 Genomes Project or ESP global frequency and its presence in a patient with a rare or unrelated disease phenotype. NOT Sanger confirmed.

Genome Diagnostics Laboratory, University Medical Center Utrecht
Classification: Likely benign. Review status: no assertion criteria provided. Collection method: clinical testing. Allele origin: germline. Affected: yes. Study: VKGL Data-share Consensus. Not counted in ClinVar's aggregate classification.

Joint Genome Diagnostic Labs from Nijmegen and Maastricht, Radboudumc and MUMC+
Classification: Benign. Review status: no assertion criteria provided. Collection method: clinical testing. Allele origin: germline. Affected: yes. Study: VKGL Data-share Consensus. Not counted in ClinVar's aggregate classification.

Laboratory of Diagnostic Genome Analysis, Leiden University Medical Center (LUMC)
Classification: Likely benign. Review status: no assertion criteria provided. Collection method: clinical testing. Allele origin: germline. Affected: yes. Study: VKGL Data-share Consensus. Not counted in ClinVar's aggregate classification.